The following is an entry in ClinVar:

ClinVar aggregate classification (germline): Uncertain significance (1 of 4 stars; one submission).

Conditions:
Kabuki syndrome. Also called: NIIKAWA-KUROKI SYNDROME; Kabuki make-up syndrome. Identifiers: Orphanet 2322, MedGen C0796004, MONDO:0016512.

gnomAD v4.1: 1 of 1,539,792 alleles (0.000065%); no homozygotes.

Submission:

Labcorp Genetics (formerly Invitae), Labcorp
Classification: Uncertain significance for Kabuki syndrome. Last evaluated: 2023-08-04. Review status: criteria provided, single submitter. Criteria: Invitae Variant Classification Sherloc (09022015). Collection method: clinical testing. Allele origin: germline.
Comment: This sequence change replaces glycine, which is neutral and non-polar, with valine, which is neutral and non-polar, at codon 2148 of the KMT2D protein (p.Gly2148Val). This variant is not present in population databases (gnomAD no frequency). This variant has not been reported in the literature in individuals affected with KMT2D-related conditions. ClinVar contains an entry for this variant (Variation ID: 1490039). Advanced modeling of protein sequence and biophysical properties (such as structural, functional, and spatial information, amino acid conservation, physicochemical variation, residue mobility, and thermodynamic stability) performed at Invitae indicates that this missense variant is not expected to disrupt KMT2D protein function. In summary, the available evidence is currently insufficient to determine the role of this variant in disease. Therefore, it has been classified as a Variant of Uncertain Significance.

NM_003482.4(KMT2D):c.6443G>T (p.Gly2148Val)

Gene: KMT2D (lysine methyltransferase 2D; minus strand). Cytogenetic location: 12q13.12.
Variant type: single nucleotide variant.
Coding change: c.6443G>T on transcript NM_003482.4 (MANE Select); coding-DNA position 6443, G replaced by T.
Protein change: p.Gly2148Val; replaces glycine 2148 with valine.
Molecular consequence: missense variant.
Genome position (GRCh38, 1-based): chr12:49,041,327, C>A on the plus strand (G>T on the coding strand, the complement: KMT2D is on the minus strand). VCF-style: chr12-49041327-C-A. GRCh37 (hg19) VCF-style: chr12-49435110-C-A.
Other names: short protein forms G2148V.
Identifiers: ClinVar variation 1490039 (VCV001490039.6), dbSNP rs2120545127, ClinGen allele CA384750840.